The following is an entry in ClinVar:

NM_020549.5(CHAT):c.1420G>A (p.Val474Ile)

Gene: CHAT (choline O-acetyltransferase; plus strand). Cytogenetic location: 10q11.23.
Variant type: single nucleotide variant.
Coding change: c.1420G>A on transcript NM_020549.5 (MANE Select); coding-DNA position 1420, G replaced by A.
Protein change: p.Val474Ile; replaces valine 474 with isoleucine.
Molecular consequence: missense variant.
Genome position (GRCh38, 1-based): chr10:49,649,545, G>A. VCF-style: chr10-49649545-G-A. GRCh37 (hg19) VCF-style: chr10-50857591-G-A.
Other names: c.1066G>A, p.Val356Ile (NM_001142929.2, NM_001142934.2, NM_020984.4 and 2 more transcripts); c.1174G>A, p.Val392Ile (NM_001142933.2); short protein forms V356I, V392I, V474I.
Identifiers: ClinVar variation 658727 (VCV000658727.6), dbSNP rs371719364, ClinGen allele CA5497493.

ClinVar aggregate classification (germline): Uncertain significance (1 of 4 stars; one submission).

Conditions:
Familial infantile myasthenia (CMS6). Also called: Congenital myasthenic syndrome type 6; MYASTHENIC SYNDROME, CONGENITAL, 6, PRESYNAPTIC; MYASTHENIC SYNDROME, PRESYNAPTIC, CONGENITAL, ASSOCIATED WITH EPISODIC APNEA. Identifiers: Orphanet 590, MedGen C0393929, MONDO:0009689, OMIM 254210.

Allele frequency attached by ClinVar (database versions not stated): gnomAD exomes 0.00001; ExAC 0.00003; ESP Exome Variant Server 0.00008.
gnomAD v4.1: 27 of 1,613,746 alleles (0.0017%); highest among the groups gnomAD compares: East Asian, 0.02%; no homozygotes.

Submission:

Labcorp Genetics (formerly Invitae), Labcorp
Classification: Uncertain significance for Familial infantile myasthenia. Last evaluated: 2022-03-03. Review status: criteria provided, single submitter. Criteria: Invitae Variant Classification Sherloc (09022015). Collection method: clinical testing. Allele origin: germline.
Comment: This sequence change replaces valine, which is neutral and non-polar, with isoleucine, which is neutral and non-polar, at codon 474 of the CHAT protein (p.Val474Ile). This variant is present in population databases (rs371719364, gnomAD 0.01%). This variant has not been reported in the literature in individuals affected with CHAT-related conditions. ClinVar contains an entry for this variant (Variation ID: 658727). Advanced modeling of protein sequence and biophysical properties (such as structural, functional, and spatial information, amino acid conservation, physicochemical variation, residue mobility, and thermodynamic stability) performed at Invitae indicates that this missense variant is not expected to disrupt CHAT protein function. In summary, the available evidence is currently insufficient to determine the role of this variant in disease. Therefore, it has been classified as a Variant of Uncertain Significance.